The following is an entry in ClinVar:

ClinVar aggregate classification (germline): Uncertain significance (1 of 4 stars; one submission).

Submission:

Labcorp Genetics (formerly Invitae), Labcorp
Classification: Uncertain significance. Last evaluated: 2025-06-20. Review status: criteria provided, single submitter. Criteria: Invitae Variant Classification Sherloc (09022015). Collection method: clinical testing. Allele origin: germline.
Comment: This sequence change replaces serine, which is neutral and polar, with cysteine, which is neutral and slightly polar, at codon 370 of the LPIN1 protein (p.Ser370Cys). This variant is not present in population databases (gnomAD no frequency). This variant has not been reported in the literature in individuals affected with LPIN1-related conditions. ClinVar contains an entry for this variant (Variation ID: 2098237). Invitae Evidence Modeling of protein sequence and biophysical properties (such as structural, functional, and spatial information, amino acid conservation, physicochemical variation, residue mobility, and thermodynamic stability) indicates that this missense variant is not expected to disrupt LPIN1 protein function with a negative predictive value of 80%. In summary, the available evidence is currently insufficient to determine the role of this variant in disease. Therefore, it has been classified as a Variant of Uncertain Significance.

NM_001349206.2(LPIN1):c.1216A>T (p.Ser406Cys)

Gene: LPIN1 (lipin 1; plus strand). Cytogenetic location: 2p25.1.
Variant type: single nucleotide variant.
Coding change: c.1216A>T on transcript NM_001349206.2 (MANE Select); coding-DNA position 1216, A replaced by T.
Protein change: p.Ser406Cys; replaces serine 406 with cysteine.
Molecular consequence: missense variant. On other transcripts: non-coding transcript variant (1).
Genome position (GRCh38, 1-based): chr2:11,782,459, A>T. VCF-style: chr2-11782459-A-T. GRCh37 (hg19) VCF-style: chr2-11922585-A-T.
Other names: c.1126A>T, p.Ser376Cys (NM_001261427.3); c.1363A>T, p.Ser455Cys (NM_001261428.3); c.1108A>T, p.Ser370Cys (NM_001349199.2, NM_001349200.2, NM_001349201.2 and 1 more transcripts); c.1213A>T, p.Ser405Cys (NM_001349202.2, NM_001349203.2); c.1216A>T, p.Ser406Cys (NM_001349204.2, NM_001349205.2); c.1306A>T, p.Ser436Cys (NM_001349207.2); c.1255A>T, p.Ser419Cys (NM_001349208.2); short protein forms S406C, S405C, S419C, S370C, S376C, S436C, S455C.
Identifiers: ClinVar variation 2098237 (VCV002098237.4), dbSNP rs751486963, ClinGen allele CA345856798.